The following is an entry in ClinVar:

NM_001378452.1(ITPR1):c.1033C>A (p.Arg345=)

Gene: ITPR1 (inositol 1,4,5-trisphosphate receptor type 1; plus strand). Cytogenetic location: 3p26.1.
Variant type: single nucleotide variant.
Coding change: c.1033C>A on transcript NM_001378452.1 (MANE Select); coding-DNA position 1033, C replaced by A.
Protein change: p.Arg345=; no amino-acid change (arginine 345 retained).
Molecular consequence: synonymous variant.
Genome position (GRCh38, 1-based): chr3:4,658,160, C>A. VCF-style: chr3-4658160-C-A. GRCh37 (hg19) VCF-style: chr3-4699844-C-A.
Other names: c.1033C>A, p.Arg345= (NM_001099952.4); c.988C>A, p.Arg330= (NM_001168272.2, NM_002222.7).
Identifiers: ClinVar variation 747902 (VCV000747902.32), dbSNP rs369055445, ClinGen allele CA2231076.

ClinVar aggregate classification (germline): Conflicting classifications of pathogenicity. Review status: criteria provided, conflicting classifications (1 of 4 stars). 3 submissions from 3 submitters: Uncertain significance (1); Benign (1); Likely benign (1). Last evaluated 2025-12-03.

Allele frequency attached by ClinVar (database versions not stated): TOPMed 0.00003.
gnomAD v4.1: 310 of 1,612,774 alleles (0.019%); highest among the groups gnomAD compares: Middle Eastern, 0.033%; 1 homozygote.

Submissions (3):

Labcorp Genetics (formerly Invitae), Labcorp
Classification: Benign. Last evaluated: 2025-12-03. Review status: criteria provided, single submitter. Criteria: Invitae Variant Classification Sherloc (09022015). Collection method: clinical testing. Allele origin: germline.

Blueprint Genetics
Classification: Likely benign. Last evaluated: 2024-11-25. Review status: criteria provided, single submitter. Criteria: ACMG Guidelines, 2015. Collection method: clinical testing. Allele origin: germline.

CeGaT Center for Human Genetics Tuebingen
Classification: Uncertain significance. Last evaluated: 2022-11-01. Review status: criteria provided, single submitter. Criteria: CeGaT Center For Human Genetics Tuebingen Variant Classification Criteria Version 2. Collection method: clinical testing. Allele origin: germline. Affected: yes. Observed: 1 variant allele.
Comment: ITPR1: PM2:Supporting, BP4